The following is an entry in ClinVar:

NM_001365951.3(KIF1B):c.65A>G (p.Lys22Arg)

Genes: KIF1B (kinesin family member 1B; plus strand), LOC129388446 (MPRA-validated peak64 silencer; plus strand). Cytogenetic location: 1p36.22.
Variant type: single nucleotide variant.
Coding change: c.65A>G on transcript NM_001365951.3 (MANE Select); coding-DNA position 65, A replaced by G.
Protein change: p.Lys22Arg; replaces lysine 22 with arginine.
Molecular consequence: missense variant.
Genome position (GRCh38, 1-based): chr1:10,232,393, A>G. VCF-style: chr1-10232393-A-G. GRCh37 (hg19) VCF-style: chr1-10292451-A-G.
Other names: c.65A>G, p.Lys22Arg (NM_001365952.1, NM_001365953.1, NM_015074.3 and 1 more transcripts); short protein forms K22R.
Identifiers: ClinVar variation 694925 (VCV000694925.8), dbSNP rs762280202, ClinGen allele CA580600.

ClinVar aggregate classification (germline): Uncertain significance. Review status: criteria provided, multiple submitters, no conflicts (2 of 4 stars). 4 submissions from 4 submitters: Uncertain significance (3). 1 of the submissions does not count toward it. Last evaluated 2024-11-25.

Conditions:
Charcot-Marie-Tooth disease. Also called: Charcot-Marie-Tooth Neuropathy; Charcot-Marie-Tooth Hereditary Neuropathy. Identifiers: Orphanet 166, MedGen C0007959, MONDO:0015626.
Charcot-Marie-Tooth disease type 2. Also called: Charcot-Marie-Tooth type 2. Identifiers: Orphanet 64746, MedGen C0270914, MONDO:0018993.

Allele frequency attached by ClinVar (database versions not stated): gnomAD 0.00001; gnomAD exomes 0.00003 and below 0.00001; ExAC 0.00001; TOPMed 0.00001.
gnomAD v4.1: 50 of 1,614,004 alleles (0.0031%); highest among the groups gnomAD compares: Non-Finnish European, 0.0042%; no homozygotes.

Submissions (4):

Ambry Genetics
Classification: Uncertain significance. Last evaluated: 2024-11-25. Review status: criteria provided, single submitter. Criteria: Ambry Variant Classification Scheme 2023. Collection method: clinical testing. Allele origin: germline.
Comment: The p.K22R variant (also known as c.65A>G), located in coding exon 1 of the KIF1B gene, results from an A to G substitution at nucleotide position 65. The lysine at codon 22 is replaced by arginine, an amino acid with highly similar properties. This amino acid position is highly conserved in available vertebrate species. In addition, this alteration is predicted to be tolerated by in silico analysis. The evidence for this gene-disease relationship is limited; therefore, the clinical significance of this alteration is unclear.

Labcorp Genetics (formerly Invitae), Labcorp
Classification: Uncertain significance for Charcot-Marie-Tooth disease type 2. Last evaluated: 2023-12-06. Review status: criteria provided, single submitter. Criteria: Invitae Variant Classification Sherloc (09022015). Collection method: clinical testing. Allele origin: germline.
Comment: This sequence change replaces lysine, which is basic and polar, with arginine, which is basic and polar, at codon 22 of the KIF1B protein (p.Lys22Arg). This variant is present in population databases (rs762280202, gnomAD 0.0009%). This missense change has been observed in individual(s) with suspected Charcot-Marie-Tooth disease (PMID: 32376792). ClinVar contains an entry for this variant (Variation ID: 694925). Advanced modeling of protein sequence and biophysical properties (such as structural, functional, and spatial information, amino acid conservation, physicochemical variation, residue mobility, and thermodynamic stability) performed at Invitae indicates that this missense variant is not expected to disrupt KIF1B protein function with a negative predictive value of 80%. In summary, the available evidence is currently insufficient to determine the role of this variant in disease. Therefore, it has been classified as a Variant of Uncertain Significance.

Molecular Genetics Laboratory, London Health Sciences Centre
Classification: Uncertain significance for Charcot-Marie-Tooth disease. Review status: criteria provided, single submitter. Criteria: ACMG Guidelines, 2015. Collection method: clinical testing. Allele origin: germline. Affected: yes.

Genesis Genome Database
Classification: Uncertain significance for Charcot-Marie-Tooth disease. Last evaluated: 2019-08-14. Review status: no assertion criteria provided. Collection method: research. Allele origin: germline. Affected: yes. Not counted in ClinVar's aggregate classification.

Literature cited by the submitters: PubMed 32376792 (cited by Labcorp Genetics (formerly Invitae), Labcorp).